The following is an entry in ClinVar:

NC_000001.10:g.(?_171061800)_(171061951_?)del

Gene: FMO3 (flavin containing dimethylaniline monoxygenase 3; plus strand). Cytogenetic location: 1q24.3.
Variant type: Deletion.
Identifiers: ClinVar variation 3247976 (VCV003247976.1).

ClinVar aggregate classification (germline): Pathogenic (1 of 4 stars; one submission).

Submission:

Labcorp Genetics (formerly Invitae), Labcorp
Classification: Pathogenic. Last evaluated: 2023-12-23. Review status: criteria provided, single submitter. Criteria: Invitae Variant Classification Sherloc (09022015). Collection method: clinical testing. Allele origin: unknown.
Comment: This variant is a gross deletion of the genomic region encompassing exon(s) 2 of the FMO3 gene, which includes the initiator codon. This deletion extends beyond the assayed region for this gene and therefore may encompass additional genes. It is expected to result in an absent or disrupted protein product. Loss-of-function variants in FMO3 are known to be pathogenic (PMID: 20301282). This variant has not been reported in the literature in individuals affected with FMO3-related conditions. For these reasons, this variant has been classified as Pathogenic.

Literature cited by the submitters: PubMed 20301282.